The following is an entry in ClinVar:

ClinVar aggregate classification (germline): Uncertain significance (1 of 4 stars; one submission).

Conditions:
Cardiovascular phenotype. Identifiers: MedGen CN230736.

Submission:

Ambry Genetics
Classification: Uncertain significance for Cardiovascular phenotype. Last evaluated: 2025-08-28. Review status: criteria provided, single submitter. Criteria: Ambry Variant Classification Scheme 2023. Collection method: clinical testing. Allele origin: germline.
Comment: The p.P3845L variant (also known as c.11534C>T), located in coding exon 48 of the AKAP9 gene, results from a C to T substitution at nucleotide position 11534. The proline at codon 3845 is replaced by leucine, an amino acid with similar properties. This amino acid position is conserved. In addition, this alteration is predicted to be tolerated by in silico analysis. Based on the available evidence, the clinical significance of this variant remains unclear.

NM_005751.5(AKAP9):c.11534C>T (p.Pro3845Leu)

Gene: AKAP9 (A-kinase anchoring protein 9; plus strand). Cytogenetic location: 7q21.2.
Variant type: single nucleotide variant.
Coding change: c.11534C>T on transcript NM_005751.5 (MANE Select); coding-DNA position 11534, C replaced by T.
Protein change: p.Pro3845Leu; replaces proline 3845 with leucine.
Molecular consequence: missense variant.
Genome position (GRCh38, 1-based): chr7:92,107,410, C>T. VCF-style: chr7-92107410-C-T. GRCh37 (hg19) VCF-style: chr7-91736724-C-T.
Other names: c.6179C>T, p.Pro2060Leu (NM_001379277.1); c.11510C>T, p.Pro3837Leu (NM_147185.3); short protein forms P2060L, P3845L, P3837L.
Identifiers: ClinVar variation 4265363 (VCV004265363.1).